The following is an entry in ClinVar:

NM_001385079.1(PDE10A):c.860G>A (p.Ser287Asn)

Gene: PDE10A (phosphodiesterase 10A; minus strand). Cytogenetic location: 6q27.
Variant type: single nucleotide variant.
Coding change: c.860G>A on transcript NM_001385079.1 (MANE Select); coding-DNA position 860, G replaced by A.
Protein change: p.Ser287Asn; replaces serine 287 with asparagine.
Molecular consequence: missense variant. On other transcripts: 5 prime UTR variant (1).
Genome position (GRCh38, 1-based): chr6:165,661,952, C>T on the plus strand (G>A on the coding strand, the complement: PDE10A is on the minus strand). VCF-style: chr6-165661952-C-T. GRCh37 (hg19) VCF-style: chr6-166075440-C-T.
Other names: c.62G>A, p.Ser21Asn (NM_001130690.3); c.-97G>A (NM_006661.4); short protein forms S21N, S287N.
Identifiers: ClinVar variation 2443408 (VCV002443408.2), dbSNP rs775095710, ClinGen allele CA4092664.

ClinVar aggregate classification (germline): Uncertain significance. Review status: criteria provided, multiple submitters, no conflicts (2 of 4 stars). 2 submissions from 2 submitters: Uncertain significance (2). Last evaluated 2025-11-24.

Submissions (2):

Labcorp Genetics (formerly Invitae), Labcorp
Classification: Uncertain significance. Last evaluated: 2025-11-24. Review status: criteria provided, single submitter. Criteria: Invitae Variant Classification Sherloc (09022015). Collection method: clinical testing. Allele origin: germline.
Comment: This sequence change replaces serine, which is neutral and polar, with asparagine, which is neutral and polar, at codon 21 of the PDE10A protein (p.Ser21Asn). The frequency data for this variant in the population databases is considered unreliable, as metrics indicate poor data quality at this position in the gnomAD database. This variant has not been reported in the literature in individuals affected with PDE10A-related conditions. ClinVar contains an entry for this variant (Variation ID: 2443408). An algorithm developed to predict the effect of missense changes on protein structure and function outputs the following: PolyPhen-2: "Benign". The asparagine amino acid residue is found in multiple mammalian species, which suggests that this missense change does not adversely affect protein function. In summary, the available evidence is currently insufficient to determine the role of this variant in disease. Therefore, it has been classified as a Variant of Uncertain Significance.

GeneDx
Classification: Uncertain significance. Last evaluated: 2022-09-09. Review status: criteria provided, single submitter. Criteria: GeneDx Variant Classification Process June 2021. Collection method: clinical testing. Allele origin: germline. Affected: yes.
Comment: In silico analysis supports that this missense variant does not alter protein structure/function; Has not been previously published as pathogenic or benign to our knowledge